The following is an entry in ClinVar:

ClinVar aggregate classification (germline): Pathogenic/Likely pathogenic. Review status: criteria provided, multiple submitters, no conflicts (2 of 4 stars). 6 submissions from 6 submitters: Pathogenic (1); Likely pathogenic (4). 1 of the submissions does not count toward it. Last evaluated 2026-04-24.

Conditions:
RNU7-1-related condition.
Aicardi-Goutieres syndrome 9. Identifiers: MedGen C5561966, MONDO:0030362, OMIM 619487.

Submissions (6):

Victorian Clinical Genetics Services, Murdoch Childrens Research Institute
Classification: Pathogenic for Aicardi-Goutieres syndrome 9. Last evaluated: 2026-04-24. Review status: criteria provided, single submitter. Criteria: ACMG Guidelines, 2015. Collection method: clinical testing. Allele origin: germline. Affected: yes.
Comment: This variant is classified as Pathogenic. Evidence in support of pathogenic classification: Variant is present in gnomAD <0.01 for a recessive condition (v4: 126 heterozygote(s), 0 homozygote(s)); This variant has strong previous evidence of pathogenicity in unrelated individuals. This variant has been classified as likely pathogenic by clinical laboratories (ClinVar). It has also been reported in multiple unrelated compound heterozygous individuals with Aicardi-Goutieres syndrome (PMID: 33230297, 35320431, 37152446, 37171742). Additional information: Non-coding variant without known or predicted effect. RT–qPCR on cells from an individual with this variant compound heterozygous with another variant shows aberrant polyadenylation of replication-dependent histone (RDH) mRNAs. However it is unclear how much this variant contributes to the functional outcome (PMID: 33230297); This variant is heterozygous; This gene is associated with autosomal recessive disease; Loss of function is a known mechanism of disease in this gene and is associated with Aicardi-Goutieres syndrome 9 (MIM#619487); Variants in this gene are known to have variable expressivity. Inter- and intrafamilial variability has been reported (OMIM).

PreventionGenetics, part of Exact Sciences
Classification: Likely pathogenic for RNU7-1-related condition. Last evaluated: 2026-02-02. Review status: criteria provided, single submitter. Criteria: ACMG Guidelines, 2015. Collection method: clinical testing. Allele origin: germline.
Comment: The RNU7-1 n.40_47del8 variant is predicted to result in an in-frame deletion (Non-Coding). This variant has been reported in the compound heterozygous state in multiple individuals with Aicardi-Goutières syndrome from unrelated families (Uggenti et al. 2020. PubMed ID: 33230297; Naesens et al. 2022. PubMed ID: 35320431; Schuermans et al. 2023. PubMed ID: 37152446). This variant is reported in 0.039% of alleles in individuals of European (Non-Finnish) descent in gnomAD. This variant is interpreted as likely pathogenic.

3billion
Classification: Likely pathogenic for Aicardi-Goutieres syndrome 9. Last evaluated: 2025-01-21. Review status: criteria provided, single submitter. Criteria: ACMG Guidelines, 2015. Collection method: clinical testing. Allele origin: germline. Affected: yes.
Comment: The variant is observed at an extremely low frequency in the gnomAD v4.1.0 dataset (total allele frequency: 0.065%). Predicted Consequence/Location: Non coding variant Functional studies provide moderate evidence of the variant having a damaging effect on the gene or gene product (PMID: 33230297). The variant has been observed in multiple (>3) similarly affected unrelated individuals (PMID: 33230297). The variant is in trans with the other variant. The variant has been reported to co-segregate with the disease in at least one similarly affected relative/individual in the same family or similarly affected unrelated family (PMID: 33230297). The variant has been reported at least twice as pathogenic with clinical assertions and evidence for the classification (ClinVar ID: VCV001202611 /PMID: 33230297, VCV001202611 /3billion dataset). Therefore, this variant is classified as Pathogenic according to the recommendation of ACMG/AMP guideline.

CeGaT Center for Human Genetics Tuebingen
Classification: Likely pathogenic. Last evaluated: 2024-09-01. Review status: criteria provided, single submitter. Criteria: CeGaT Center For Human Genetics Tuebingen Variant Classification Criteria Version 2. Collection method: clinical testing. Allele origin: germline. Affected: yes. Observed: 6 variant alleles.
Comment: RNU7-1: PM3:Strong, PM2, PS3:Supporting

GeneDx
Classification: Likely pathogenic. Last evaluated: 2023-08-15. Review status: criteria provided, single submitter. Criteria: GeneDx Variant Classification Process June 2021. Collection method: clinical testing. Allele origin: germline. Affected: yes.
Comment: This variant is associated with the following publications: (PMID: 35320431, 33230297, 37152446)

OMIM
Classification: Pathogenic for AICARDI-GOUTIERES SYNDROME 9. Last evaluated: 2021-08-16. Review status: no assertion criteria provided. Collection method: literature only. Allele origin: germline. Not counted in ClinVar's aggregate classification.

Literature cited by the submitters: PubMed 33230297 (cited by 3 submitters); PubMed 37171742 (cited by Victorian Clinical Genetics Services, Murdoch Childrens Research Institute); PubMed 37152446 (cited by Victorian Clinical Genetics Services, Murdoch Childrens Research Institute); PubMed 35320431 (cited by Victorian Clinical Genetics Services, Murdoch Childrens Research Institute).

NR_023317.1(RNU7-1):n.40_47del

Genes: C12orf57 (chromosome 12 open reading frame 57; plus strand), RNU7-1 (RNA, U7 small nuclear 1; plus strand). Cytogenetic location: 12p13.31.
Variant type: Deletion.
Molecular consequence: non-coding transcript variant (on NR_023317.1). On other transcripts: intron variant (2).
Genome position: GRCh38 VCF-style: chr12-6943848-AGGCTTTCT-A. GRCh37 (hg19) VCF-style: chr12-7053011-AGGCTTTCT-A.
Other names: c.13+193_13+200del (NM_001301836.2); c.-16+193_-16+200del (NM_001301834.1).
Identifiers: ClinVar variation 1202612 (VCV001202612.32), dbSNP rs1255543147, ClinGen allele CA603487243.
Genomic context (GRCh38, chr12:6,943,848, plus strand): 5'-CCCATCTTCTCTCCAAACACATACGCAGCAGTGTTACAGCTCTTTTAGAATTTGTCTAGT[AGGCTTTCT>A]GGCTTTTTACCGGAAAGCCCCTCTTATGATGTTTGTTGCCAATGATAGATTGTTTTCACT-3'